The following is an entry in ClinVar:

NM_016507.4(CDK12):c.589C>G (p.Arg197Gly)

Genes: CDK12 (cyclin dependent kinase 12; plus strand), LOC126862553 (CDK7 strongly-dependent group 2 enhancer GRCh37_chr17:37618166-37619365; plus strand). Cytogenetic location: 17q12.
Variant type: single nucleotide variant.
Coding change: c.589C>G on transcript NM_016507.4 (MANE Select); coding-DNA position 589, C replaced by G.
Protein change: p.Arg197Gly; replaces arginine 197 with glycine.
Molecular consequence: missense variant.
Genome position (GRCh38, 1-based): chr17:39,462,660, C>G. VCF-style: chr17-39462660-C-G. GRCh37 (hg19) VCF-style: chr17-37618913-C-G.
Other names: c.589C>G, p.Arg197Gly (NM_015083.4); short protein forms R197G.
Identifiers: ClinVar variation 4224223 (VCV004224223.1).

ClinVar aggregate classification (germline): Uncertain significance (1 of 4 stars; one submission).

gnomAD v4.1: 1 of 1,613,990 alleles (0.000062%); highest among the groups gnomAD compares: South Asian, 0.0011%; no homozygotes.

Submission:

Ambry Genetics
Classification: Uncertain significance. Last evaluated: 2025-06-25. Review status: criteria provided, single submitter. Criteria: Ambry Variant Classification Scheme 2023. Collection method: clinical testing. Allele origin: germline.
Comment: The p.R197G variant (also known as c.589C>G), located in coding exon 1 of the CDK12 gene, results from a C to G substitution at nucleotide position 589. The arginine at codon 197 is replaced by glycine, an amino acid with dissimilar properties. This amino acid position is conserved. In addition, this alteration is predicted to be tolerated by in silico analysis. Based on the available evidence, the clinical significance of this variant remains unclear.